The following is an entry in ClinVar:

NM_001258392.3(CLPB):c.1453G>A (p.Glu485Lys)

Gene: CLPB (ClpB family mitochondrial disaggregase; minus strand). Cytogenetic location: 11q13.4.
Variant type: single nucleotide variant.
Coding change: c.1453G>A on transcript NM_001258392.3 (MANE Select); coding-DNA position 1453, G replaced by A.
Protein change: p.Glu485Lys; replaces glutamic acid 485 with lysine.
Molecular consequence: missense variant.
Genome position (GRCh38, 1-based): chr11:72,295,525, C>T on the plus strand (G>A on the coding strand, the complement: CLPB is on the minus strand). VCF-style: chr11-72295525-C-T. GRCh37 (hg19) VCF-style: chr11-72006569-C-T.
Other names: c.1366G>A, p.Glu456Lys (NM_001258393.3); c.1408G>A, p.Glu470Lys (NM_001258394.3); c.1543G>A, p.Glu515Lys (NM_030813.6); short protein forms E456K, E470K, E485K, E515K.
Identifiers: ClinVar variation 1002894 (VCV001002894.10), dbSNP rs143522576, ClinGen allele CA381728345.

ClinVar aggregate classification (germline): Uncertain significance. Review status: criteria provided, multiple submitters, no conflicts (2 of 4 stars). 2 submissions from 2 submitters: Uncertain significance (2). Last evaluated 2026-01-12.

Conditions:
3-methylglutaconic aciduria, type VIIB (MGCA7B). Also called: 3-methylglutaconic aciduria with cataracts, neurologic involvement and neutropenia; CLPB Deficiency; 3-methylglutaconic aciduria, type VII, with cataracts, neurologic involvement and neutropenia. Identifiers: Orphanet 445038, MedGen C5676893, MONDO:0014561, OMIM 616271.

Allele frequency attached by ClinVar (database versions not stated): gnomAD exomes below 0.00001.
gnomAD v4.1: 1 of 1,614,194 alleles (0.000062%); highest among the groups gnomAD compares: Non-Finnish European, 0.000085%; no homozygotes.

Submissions (2):

Labcorp Genetics (formerly Invitae), Labcorp
Classification: Uncertain significance for 3-methylglutaconic aciduria, type VIIB. Last evaluated: 2026-01-12. Review status: criteria provided, single submitter. Criteria: Invitae Variant Classification Sherloc (09022015). Collection method: clinical testing. Allele origin: germline.
Comment: This sequence change replaces glutamic acid, which is acidic and polar, with lysine, which is basic and polar, at codon 515 of the CLPB protein (p.Glu515Lys). This variant is not present in population databases (gnomAD no frequency). This variant has not been reported in the literature in individuals affected with CLPB-related conditions. ClinVar contains an entry for this variant (Variation ID: 1002894). An algorithm developed to predict the effect of missense changes on protein structure and function (PolyPhen-2) suggests that this variant is likely to be tolerated. In summary, the available evidence is currently insufficient to determine the role of this variant in disease. Therefore, it has been classified as a Variant of Uncertain Significance.

Blueprint Genetics
Classification: Uncertain significance. Last evaluated: 2021-04-12. Review status: criteria provided, single submitter. Criteria: ACMG Guidelines, 2015. Collection method: clinical testing. Allele origin: germline.